The following is an entry in ClinVar:

ClinVar aggregate classification (germline): Uncertain significance (1 of 4 stars; one submission).

Allele frequency attached by ClinVar (database versions not stated): ExAC 0.00002; gnomAD exomes 0.00001.
gnomAD v4.1: 19 of 1,531,580 alleles (0.0012%); highest among the groups gnomAD compares: Non-Finnish European, 0.0014%; no homozygotes.

Submission:

Labcorp Genetics (formerly Invitae), Labcorp
Classification: Uncertain significance. Last evaluated: 2026-01-11. Review status: criteria provided, single submitter. Criteria: Invitae Variant Classification Sherloc (09022015). Collection method: clinical testing. Allele origin: germline.
Comment: This sequence change replaces alanine, which is neutral and non-polar, with threonine, which is neutral and polar, at codon 280 of the IRF2BP2 protein (p.Ala280Thr). The frequency data for this variant in the population databases is considered unreliable, as metrics indicate poor data quality at this position in the gnomAD database. This variant has not been reported in the literature in individuals affected with IRF2BP2-related conditions. ClinVar contains an entry for this variant (Variation ID: 1963566). An algorithm developed to predict the effect of missense changes on protein structure and function outputs the following: PolyPhen-2: "Benign". The threonine amino acid residue is found in multiple mammalian species, which suggests that this missense change does not adversely affect protein function. In summary, the available evidence is currently insufficient to determine the role of this variant in disease. Therefore, it has been classified as a Variant of Uncertain Significance.

NM_182972.3(IRF2BP2):c.838G>A (p.Ala280Thr)

Gene: IRF2BP2 (interferon regulatory factor 2 binding protein 2; minus strand). Cytogenetic location: 1q42.3.
Variant type: single nucleotide variant.
Coding change: c.838G>A on transcript NM_182972.3 (MANE Select); coding-DNA position 838, G replaced by A.
Protein change: p.Ala280Thr; replaces alanine 280 with threonine.
Molecular consequence: missense variant.
Genome position (GRCh38, 1-based): chr1:234,608,657, C>T on the plus strand (G>A on the coding strand, the complement: IRF2BP2 is on the minus strand). VCF-style: chr1-234608657-C-T. GRCh37 (hg19) VCF-style: chr1-234744403-C-T.
Other names: c.838G>A, p.Ala280Thr (NM_001077397.1); short protein forms A280T.
Identifiers: ClinVar variation 1963566 (VCV001963566.5), dbSNP rs753556497, ClinGen allele CA1461762.